The following is an entry in ClinVar:

ClinVar aggregate classification (germline): Likely pathogenic (1 of 4 stars; one submission).

Conditions:
Brown-Vialetto-van Laere syndrome 2. Also called: Riboflavin transporter deficiency type 2; SPINOCEREBELLAR ATAXIA WITH BLINDNESS AND DEAFNESS 2. Identifiers: Orphanet 572543, Orphanet 97229, MedGen C3553538, MONDO:0013867, OMIM 614707.

Submission:

First Genomix Gene Laboratory, Genetic Diagnostics Department
Classification: Likely pathogenic for Brown-Vialetto-van Laere syndrome 2. Last evaluated: 2025-09-25. Review status: criteria provided, single submitter. Criteria: ACMG Guidelines, 2015. Collection method: clinical testing. Allele origin: germline. Inheritance: Autosomal recessive inheritance. Affected: no. Observed: 1 variant allele.

NM_001363118.2(SLC52A2):c.736G>T (p.Glu246Ter)

Gene: SLC52A2 (solute carrier family 52 member 2; plus strand). Cytogenetic location: 8q24.3.
Variant type: single nucleotide variant.
Coding change: c.736G>T on transcript NM_001363118.2 (MANE Select); coding-DNA position 736, G replaced by T.
Protein change: p.Glu246Ter; replaces glutamic acid 246 with a stop codon.
Molecular consequence: nonsense. On other transcripts: non-coding transcript variant (1).
Genome position (GRCh38, 1-based): chr8:144,360,228, G>T. VCF-style: chr8-144360228-G-T. GRCh37 (hg19) VCF-style: chr8-145583888-G-T.
Other names: c.736G>T, p.Glu246Ter (NM_001253815.2, NM_001253816.2, NM_001363120.2 and 5 more transcripts); c.244G>T, p.Glu82Ter (NM_001363122.2, NM_001438089.1, NM_001438494.1 and 2 more transcripts); c.472G>T, p.Glu158Ter (NM_001410949.1); short protein forms E158*, E246*, E82*.
Identifiers: ClinVar variation 4850438 (VCV004850438.1).
Genomic context (GRCh38, chr8:144,360,228, plus strand): 5'-ACAGGGGAGTTAGGATCAGGCCTCCAGGTGGGAGCCCCAGGAGCAGAGGAAGAGGTGGAA[G>T]AGTCCTCACCACTGCAAGAGCCACCAAGCCAGGCAGCAGGCACCACCCCTGGTCCAGACC-3'